The following is an entry in ClinVar:

ClinVar aggregate classification (germline): Uncertain significance (1 of 4 stars; one submission).

Conditions:
Hereditary cancer-predisposing syndrome. Also called: Neoplastic Syndromes, Hereditary; Tumor predisposition; Hereditary Cancer Syndrome; Hereditary neoplastic syndrome. Identifiers: Orphanet 140162, MedGen C0027672, MeSH D009386, MONDO:0015356.

Submission:

Ambry Genetics
Classification: Uncertain significance for Hereditary cancer-predisposing syndrome. Last evaluated: 2026-05-24. Review status: criteria provided, single submitter. Criteria: Ambry Variant Classification Scheme 2023. Collection method: clinical testing. Allele origin: germline.
Comment: The p.S1421T variant (also known as c.4262G>C), located in coding exon 15 of the APC gene, results from a G to C substitution at nucleotide position 4262. The serine at codon 1421 is replaced by threonine, an amino acid with similar properties. This amino acid position is conserved. In addition, in silico predictors for this gene do not accurately predict pathogenicity. Based on the available evidence, the clinical significance of this variant remains unclear.

NM_000038.6(APC):c.4262G>C (p.Ser1421Thr)

Gene: APC (APC regulator of Wnt signaling pathway; plus strand). Cytogenetic location: 5q22.2.
Variant type: single nucleotide variant.
Coding change: c.4262G>C on transcript NM_000038.6 (MANE Select); coding-DNA position 4262, G replaced by C.
Protein change: p.Ser1421Thr; replaces serine 1421 with threonine.
Molecular consequence: missense variant. On other transcripts: non-coding transcript variant (2).
Genome position (GRCh38, 1-based): chr5:112,839,856, G>C. VCF-style: chr5-112839856-G-C. GRCh37 (hg19) VCF-style: chr5-112175553-G-C.
Other names: c.4262G>C, p.Ser1421Thr (NM_001127510.3, NM_001354895.2, NM_001407450.1); c.4208G>C, p.Ser1403Thr (NM_001127511.3); c.4316G>C, p.Ser1439Thr (NM_001354896.2, NM_001407447.1, NM_001407448.1 and 1 more transcripts); c.4292G>C, p.Ser1431Thr (NM_001354897.2); c.4187G>C, p.Ser1396Thr (NM_001354898.2); c.4178G>C, p.Ser1393Thr (NM_001354899.2); c.4139G>C, p.Ser1380Thr (NM_001354900.2); c.4085G>C, p.Ser1362Thr (NM_001354901.2, NM_001407453.1); and 11 more; short protein forms S1037T, S1138T, S1261T, S1292T, S1295T, S1320T, S1330T, S1338T.
Identifiers: ClinVar variation 4860248 (VCV004860248.1).